The following is an entry in ClinVar:

NM_007294.4(BRCA1):c.1664A>G (p.Asn555Ser)

Gene: BRCA1 (BRCA1 DNA repair associated; minus strand). Cytogenetic location: 17q21.31.
Variant type: single nucleotide variant.
Coding change: c.1664A>G on transcript NM_007294.4 (MANE Select); coding-DNA position 1664, A replaced by G.
Protein change: p.Asn555Ser; replaces asparagine 555 with serine.
Molecular consequence: missense variant. On other transcripts: intron variant (137).
Genome position (GRCh38, 1-based): chr17:43,093,867, T>C on the plus strand (A>G on the coding strand, the complement: BRCA1 is on the minus strand). VCF-style: chr17-43093867-T-C. GRCh37 (hg19) VCF-style: chr17-41245884-T-C.
Other names: c.787+877A>G (NM_001407976.1, NM_001408404.1, NM_001408472.1 and 19 more transcripts); c.652+877A>G (NM_001408451.1); c.643+877A>G (NM_001408464.1, NM_001408468.1, NM_001408465.1 and 3 more transcripts); c.523+877A>G (NM_001408498.1, NM_001408501.1, NM_001408500.1 and 3 more transcripts); c.646+877A>G (NM_001408467.1, NM_001408459.1, NM_001408455.1 and 11 more transcripts); c.583+877A>G (NM_001408475.1); c.709+877A>G (NM_001408412.1, NM_001408409.1, NM_001408414.1 and 2 more transcripts); c.451+877A>G (NM_001408509.1, NM_001408508.1); and 40 more; short protein forms N508S, N555S, N387S, N443S, N513S, N528S, N466S, N487S.
Identifiers: ClinVar variation 1489883 (VCV001489883.13), dbSNP rs2154431398, ClinGen allele CA10598706.
Genomic context (GRCh38, chr17:43,093,867, plus strand): 5'-TCGAGTGATTCTATTGGGTTAGGATTTTTCTCATTCTGAATAGAATCACCTTTTGTTTTA[T>C]TCTCATGACCACTATTAGTAATATTCATCACTTGACCATTCTGCTCCGTTTGGTTAGTTC-3'
Protein context (NP_009225.1, residues 545-565): VMNITNSGHE[Asn555Ser]KTKGDSIQNE

ClinVar aggregate classification (germline): Conflicting classifications of pathogenicity. Review status: criteria provided, conflicting classifications (1 of 4 stars). 3 submissions from 3 submitters: Uncertain significance (2); Likely benign (1). Last evaluated 2023-03-23.

Conditions:
Hereditary cancer-predisposing syndrome. Also called: Tumor predisposition; Hereditary neoplastic syndrome; Neoplastic Syndromes, Hereditary; Hereditary Cancer Syndrome. Identifiers: Orphanet 140162, MedGen C0027672, MeSH D009386, MONDO:0015356.
Hereditary breast ovarian cancer syndrome. Also called: Hereditary breast and ovarian cancer; Hereditary breast and ovarian cancer syndrome; Hereditary breast and/or ovarian cancer syndrome; Hereditary breast and ovarian cancer syndrome (HBOC); Breast and ovarian cancer; BRCA1- and BRCA2-Associated Hereditary Breast and Ovarian Cancer. Identifiers: Orphanet 145, MedGen C0677776, MeSH D061325, MONDO:0003582. Disease mechanism: loss of function.

Submissions (3):

University of Washington Department of Laboratory Medicine, University of Washington
Classification: Likely benign for Hereditary cancer-predisposing syndrome. Last evaluated: 2023-03-23. Review status: criteria provided, single submitter. Criteria: Dines et al. (Genet Med. 2020). Collection method: curation. Allele origin: germline.
Comment: Missense variant in a coldspot region where missense variants are very unlikely to be pathogenic (PMID:31911673).

BRCA1 coldspot (exon 11 using historical exon numbering). Reclassification based on statistical prior probability

Labcorp Genetics (formerly Invitae), Labcorp
Classification: Uncertain significance for Hereditary breast ovarian cancer syndrome. Last evaluated: 2023-03-12. Review status: criteria provided, single submitter. Criteria: Invitae Variant Classification Sherloc (09022015). Collection method: clinical testing. Allele origin: germline.
Comment: In summary, the available evidence is currently insufficient to determine the role of this variant in disease. Therefore, it has been classified as a Variant of Uncertain Significance. Advanced modeling of protein sequence and biophysical properties (such as structural, functional, and spatial information, amino acid conservation, physicochemical variation, residue mobility, and thermodynamic stability) performed at Invitae indicates that this missense variant is not expected to disrupt BRCA1 protein function. ClinVar contains an entry for this variant (Variation ID: 1489883). This variant has not been reported in the literature in individuals affected with BRCA1-related conditions. This variant is not present in population databases (gnomAD no frequency). This sequence change replaces asparagine, which is neutral and polar, with serine, which is neutral and polar, at codon 555 of the BRCA1 protein (p.Asn555Ser).

Ambry Genetics
Classification: Uncertain significance for Hereditary cancer-predisposing syndrome. Last evaluated: 2020-09-23. Review status: criteria provided, single submitter. Criteria: Ambry Variant Classification Scheme 2023. Collection method: clinical testing. Allele origin: germline.
Comment: The p.N555S variant (also known as c.1664A>G), located in coding exon 9 of the BRCA1 gene, results from an A to G substitution at nucleotide position 1664. The asparagine at codon 555 is replaced by serine, an amino acid with highly similar properties. This amino acid position is not well conserved in available vertebrate species. In addition, the in silico prediction for this alteration is inconclusive. Since supporting evidence is limited at this time, the clinical significance of this alteration remains unclear.